The following is an entry in ClinVar:

ClinVar aggregate classification (germline): Uncertain significance (1 of 4 stars; one submission).

Conditions:
Hereditary cancer-predisposing syndrome. Also called: Neoplastic Syndromes, Hereditary; Tumor predisposition; Hereditary Cancer Syndrome; Hereditary neoplastic syndrome. Identifiers: Orphanet 140162, MedGen C0027672, MeSH D009386, MONDO:0015356.

Submission:

Ambry Genetics
Classification: Uncertain significance for Hereditary cancer-predisposing syndrome. Last evaluated: 2024-07-29. Review status: criteria provided, single submitter. Criteria: Ambry Variant Classification Scheme 2023. Collection method: clinical testing. Allele origin: germline.
Comment: The p.E392D variant (also known as c.1176A>C), located in coding exon 4 of the PALB2 gene, results from an A to C substitution at nucleotide position 1176. The glutamic acid at codon 392 is replaced by aspartic acid, an amino acid with highly similar properties. This amino acid position is conserved. In addition, this alteration is predicted to be tolerated by in silico analysis. Based on the available evidence, the clinical significance of this variant remains unclear.

NM_024675.4(PALB2):c.1176A>C (p.Glu392Asp)

Gene: PALB2 (partner and localizer of BRCA2; minus strand). Cytogenetic location: 16p12.2.
Variant type: single nucleotide variant.
Coding change: c.1176A>C on transcript NM_024675.4 (MANE Select); coding-DNA position 1176, A replaced by C.
Protein change: p.Glu392Asp; replaces glutamic acid 392 with aspartic acid.
Molecular consequence: missense variant. On other transcripts: intron variant (3).
Genome position (GRCh38, 1-based): chr16:23,635,370, T>G on the plus strand (A>C on the coding strand, the complement: PALB2 is on the minus strand). VCF-style: chr16-23635370-T-G. GRCh37 (hg19) VCF-style: chr16-23646691-T-G.
Other names: c.1116A>C, p.Glu372Asp (NM_001407296.1); c.1176A>C, p.Glu392Asp (NM_001407297.1, NM_001407298.1, NM_001407299.1 and 3 more transcripts); c.291A>C, p.Glu97Asp (NM_001407304.1, NM_001407305.1, NM_001407306.1 and 5 more transcripts); c.48+5740A>C (NM_001407314.1); c.-104-4901A>C (NM_001407313.1, NM_001407312.1); short protein forms E392D, E97D, E372D.
Identifiers: ClinVar variation 3413446 (VCV003413446.1).